The following is an entry in ClinVar:

NM_024652.6(LRRK1):c.2071G>C (p.Glu691Gln)

Gene: LRRK1 (leucine rich repeat kinase 1; plus strand). Cytogenetic location: 15q26.3.
Variant type: single nucleotide variant.
Coding change: c.2071G>C on transcript NM_024652.6 (MANE Select); coding-DNA position 2071, G replaced by C.
Protein change: p.Glu691Gln; replaces glutamic acid 691 with glutamine.
Molecular consequence: missense variant.
Genome position (GRCh38, 1-based): chr15:101,024,806, G>C. VCF-style: chr15-101024806-G-C. GRCh37 (hg19) VCF-style: chr15-101565011-G-C.
Other names: short protein forms E691Q.
Identifiers: ClinVar variation 1371573 (VCV001371573.6), dbSNP rs2033946833, ClinGen allele CA393964589.

ClinVar aggregate classification (germline): Uncertain significance (1 of 4 stars; one submission).

Allele frequency attached by ClinVar (database versions not stated): gnomAD exomes 0.00001.
gnomAD v4.1: 11 of 1,612,874 alleles (0.00068%); highest among the groups gnomAD compares: Non-Finnish European, 0.00093%; no homozygotes.

Submission:

Labcorp Genetics (formerly Invitae), Labcorp
Classification: Uncertain significance. Last evaluated: 2021-08-01. Review status: criteria provided, single submitter. Criteria: Invitae Variant Classification Sherloc (09022015). Collection method: clinical testing. Allele origin: germline.
Comment: In summary, the available evidence is currently insufficient to determine the role of this variant in disease. Therefore, it has been classified as a Variant of Uncertain Significance. Algorithms developed to predict the effect of missense changes on protein structure and function are either unavailable or do not agree on the potential impact of this missense change (SIFT: "Tolerated"; PolyPhen-2: "Possibly Damaging"; Align-GVGD: "Class C0"). This variant has not been reported in the literature in individuals affected with LRRK1-related conditions. This variant is not present in population databases (ExAC no frequency). This sequence change replaces glutamic acid with glutamine at codon 691 of the LRRK1 protein (p.Glu691Gln). The glutamic acid residue is weakly conserved and there is a small physicochemical difference between glutamic acid and glutamine.